The following is an entry in ClinVar:

ClinVar aggregate classification (germline): Uncertain significance. Review status: criteria provided, multiple submitters, no conflicts (2 of 4 stars). 3 submissions from 3 submitters: Uncertain significance (3). Last evaluated 2022-08-10.

Conditions:
Inborn genetic diseases. Identifiers: MedGen C0950123, MeSH D030342.

Allele frequency attached by ClinVar (database versions not stated): gnomAD 0.00002; gnomAD exomes 0.00004; ExAC 0.00006; ESP Exome Variant Server 0.00008.
gnomAD v4.1: 37 of 1,597,004 alleles (0.0023%); highest among the groups gnomAD compares: South Asian, 0.02%; no homozygotes.

Submissions (3):

Labcorp Genetics (formerly Invitae), Labcorp
Classification: Uncertain significance. Last evaluated: 2022-08-10. Review status: criteria provided, single submitter. Criteria: Invitae Variant Classification Sherloc (09022015). Collection method: clinical testing. Allele origin: germline.
Comment: This sequence change replaces glycine, which is neutral and non-polar, with arginine, which is basic and polar, at codon 4380 of the FAT4 protein (p.Gly4380Arg). This variant is present in population databases (rs368409720, gnomAD 0.02%). This variant has not been reported in the literature in individuals affected with FAT4-related conditions. ClinVar contains an entry for this variant (Variation ID: 1188312). Advanced modeling of protein sequence and biophysical properties (such as structural, functional, and spatial information, amino acid conservation, physicochemical variation, residue mobility, and thermodynamic stability) performed at Invitae indicates that this missense variant is not expected to disrupt FAT4 protein function. Algorithms developed to predict the effect of sequence changes on RNA splicing suggest that this variant may create or strengthen a splice site. In summary, the available evidence is currently insufficient to determine the role of this variant in disease. Therefore, it has been classified as a Variant of Uncertain Significance.

Ambry Genetics
Classification: Uncertain significance for Inborn genetic diseases. Last evaluated: 2022-02-04. Review status: criteria provided, single submitter. Criteria: Ambry Variant Classification Scheme 2023. Collection method: clinical testing. Allele origin: germline.

GeneDx
Classification: Uncertain significance. Last evaluated: 2019-12-02. Review status: criteria provided, single submitter. Criteria: GeneDx Variant Classification Process June 2021. Collection method: clinical testing. Allele origin: germline. Affected: yes.
Comment: In silico analysis, which includes protein predictors and evolutionary conservation, supports a deleterious effect; Has not been previously published as pathogenic or benign to our knowledge

NM_001291303.3(FAT4):c.13144G>A (p.Gly4382Arg)

Gene: FAT4 (FAT atypical cadherin 4; plus strand). Cytogenetic location: 4q28.1.
Variant type: single nucleotide variant.
Coding change: c.13144G>A on transcript NM_001291303.3 (MANE Select); coding-DNA position 13144, G replaced by A.
Protein change: p.Gly4382Arg; replaces glycine 4382 with arginine.
Molecular consequence: missense variant.
Genome position (GRCh38, 1-based): chr4:125,489,960, G>A. VCF-style: chr4-125489960-G-A. GRCh37 (hg19) VCF-style: chr4-126411115-G-A.
Other names: c.13138G>A, p.Gly4380Arg (NM_024582.6); c.13141G>A, p.Gly4381Arg (NM_001291285.3); short protein forms G4380R, G4381R, G4382R.
Identifiers: ClinVar variation 1188312 (VCV001188312.6), dbSNP rs368409720, ClinGen allele CA3074307.